The following is an entry in ClinVar:

ClinVar aggregate classification (germline): Uncertain significance (1 of 4 stars; one submission).

Conditions:
Hereditary sensory and autonomic neuropathy type 6. Also called: Neuropathy, hereditary sensory and autonomic, type VI; HSAN VI. Identifiers: Orphanet 314381, MedGen C3539003, MONDO:0013839, OMIM 614653.
Epidermolysis bullosa simplex 3, localized or generalized intermediate, with BP230 deficiency (EBS3). Also called: Epidermolysis bullosa simplex due to BP230 deficiency; Epidermolysis bullosa simplex, autosomal recessive 2. Identifiers: Orphanet 412181, MedGen C3809470, MONDO:0014180, OMIM 615425.

Allele frequency attached by ClinVar (database versions not stated): gnomAD exomes below 0.00001 and 0.00001; gnomAD 0.00001; TOPMed 0.00001.
gnomAD v4.1: 13 of 1,613,578 alleles (0.00081%); highest among the groups gnomAD compares: Non-Finnish European, 0.0011%; no homozygotes.

Submission:

Labcorp Genetics (formerly Invitae), Labcorp
Classification: Uncertain significance for Epidermolysis bullosa simplex 3, localized or generalized intermediate, with BP230 deficiency; Hereditary sensory and autonomic neuropathy type 6. Last evaluated: 2021-06-28. Review status: criteria provided, single submitter. Criteria: Invitae Variant Classification Sherloc (09022015). Collection method: clinical testing. Allele origin: germline.
Comment: This variant is not present in population databases (ExAC no frequency). In summary, the available evidence is currently insufficient to determine the role of this variant in disease. Therefore, it has been classified as a Variant of Uncertain Significance. Experimental studies and prediction algorithms are not available or were not evaluated, and the functional significance of this variant is currently unknown. This variant has not been reported in the literature in individuals affected with DST-related conditions. This sequence change replaces glutamic acid with glutamine at codon 1770 of the DST protein (p.Glu1770Gln). The DST gene has multiple clinically relevant transcripts. This variant occurs in alternate transcript NM_015548.4, and corresponds to NM_001723.5:c.*41779G>C in the primary transcript.

NM_001374736.1(DST):c.13177G>C (p.Glu4393Gln)

Gene: DST (dystonin; minus strand). Cytogenetic location: 6p12.1.
Variant type: single nucleotide variant.
Coding change: c.13177G>C on transcript NM_001374736.1 (MANE Select); coding-DNA position 13177, G replaced by C.
Protein change: p.Glu4393Gln; replaces glutamic acid 4393 with glutamine.
Molecular consequence: missense variant.
Genome position (GRCh38, 1-based): chr6:56,573,738, C>G on the plus strand (G>C on the coding strand, the complement: DST is on the minus strand). VCF-style: chr6-56573738-C-G. GRCh37 (hg19) VCF-style: chr6-56438536-C-G.
Other names: c.6820G>C, p.Glu2274Gln (NM_001144769.5); c.6406G>C, p.Glu2136Gln (NM_001144770.2); c.13177G>C, p.Glu4393Gln (NM_001374722.1); c.12544G>C, p.Glu4182Gln (NM_001374729.1); c.6286G>C, p.Glu2096Gln (NM_001374730.1, NM_001386100.1, NM_183380.4); c.13204G>C, p.Glu4402Gln (NM_001374734.1); c.5308G>C, p.Glu1770Gln (NM_015548.5); short protein forms E4402Q, E4393Q, E1770Q, E2136Q, E2274Q, E4182Q, E2096Q.
Identifiers: ClinVar variation 1426522 (VCV001426522.6), dbSNP rs1273811041, ClinGen allele CA364527914.